The following is an entry in ClinVar:

ClinVar aggregate classification (germline): Conflicting classifications of pathogenicity. Review status: criteria provided, conflicting classifications (1 of 4 stars). 9 submissions from 9 submitters: Likely pathogenic (3); Uncertain significance (2); Likely benign (2). 2 of the submissions do not count toward it. Last evaluated 2026-04-28.

Conditions:
Muscle AMP deaminase deficiency (MMDD). Also called: Adenosine monophosphate deaminase 1 deficiency; AMP deaminase 1 deficiency; Adenosine Monophosphate Deaminase 1; ADENOSINE MONOPHOSPHATE DEAMINASE-1 DEFICIENCY, MYOPATHY DUE TO; AMPD1 DEFICIENCY; Myoadenylate deaminase deficiency, myopathy due to. Identifiers: Orphanet 45, MedGen C3714933, MONDO:0014220, OMIM 615511.

Allele frequency attached by ClinVar (database versions not stated): TOPMed 0.00213; 1000 Genomes Project 30x 0.00219; 1000 Genomes Project 0.00220; gnomAD exomes 0.00019 and 0.00056; ExAC 0.00068; gnomAD 0.00196 and 0.00208.

Submissions (9):

Women's Health and Genetics/Laboratory Corporation of America, LabCorp
Classification: Likely benign. Last evaluated: 2026-04-28. Review status: criteria provided, single submitter. Criteria: LabCorp Variant Classification Summary - May 2015. Collection method: clinical testing. Allele origin: germline.
Comment: Variant summary: AMPD1 c.1162C>T (p.Arg388Trp) results in a non-conservative amino acid change in the encoded protein sequence. Algorithms developed to predict the effect of missense changes on protein structure and function all suggest that this variant is likely to be disruptive. The variant allele was found at a frequency of 0.00056 in 251462 control chromosomes, predominantly at a frequency of 0.0073 within the African or African-American subpopulation in the gnomAD database, including 1 homozygote. The observed variant frequency within African or African-American control individuals in the gnomAD database exceeds the estimated maximal expected allele frequency for disease-causing variants in AMPD1. c.1261C>T has been reported as a biallelic genotype in the literature in at least one individual affected with Muscle AMP Deaminase Deficiency (Abe_2000, Morisaki_2000). These reports do not provide unequivocal conclusions about association of the variant with Muscle AMP Deaminase Deficiency. One publication reports experimental evidence evaluating an impact on protein function, however, does not allow convincing conclusions about the variant effect (Morisaki_2000). The following publications have been ascertained in the context of this evaluation (PMID: 10996775, 11102975). ClinVar contains an entry for this variant (Variation ID: 18272). Based on the evidence outlined above, the variant was classified as likely benign.

Labcorp Genetics (formerly Invitae), Labcorp
Classification: Likely benign for Muscle AMP deaminase deficiency. Last evaluated: 2026-01-24. Review status: criteria provided, single submitter. Criteria: Invitae Variant Classification Sherloc (09022015). Collection method: clinical testing. Allele origin: germline.

GeneDx
Classification: Likely pathogenic. Last evaluated: 2025-07-05. Review status: criteria provided, single submitter. Criteria: GeneDx Variant Classification Process June 2021. Collection method: clinical testing. Allele origin: germline. Affected: yes.
Comment: Published functional studies demonstrate a damaging effect; specifically, expression studies of this variant form of AMPD1 in prokaryotic cells demonstrated undetectable enzyme activity despite normal quantities of AMPD1 peptides, as compared with controls (PMID: 11102975); In silico analysis supports that this missense variant has a deleterious effect on protein structure/function; This variant is associated with the following publications: (PMID: 34426522, Mohamed[article]2023, 10996775, 11102975, 36846110)

First Genomix Gene Laboratory, Genetic Diagnostics Department
Classification: Likely pathogenic for Muscle AMP deaminase deficiency. Last evaluated: 2025-06-20. Review status: criteria provided, single submitter. Criteria: ACMG Guidelines, 2015. Collection method: clinical testing. Allele origin: germline. Inheritance: Autosomal recessive inheritance. Affected: no. Observed: 1 variant allele.

Blueprint Genetics
Classification: Uncertain significance. Last evaluated: 2024-06-20. Review status: criteria provided, single submitter. Criteria: ACMG Guidelines, 2015. Collection method: clinical testing. Allele origin: germline.

Revvity Omics, Revvity
Classification: Likely pathogenic for Muscle AMP deaminase deficiency. Last evaluated: 2019-10-01. Review status: criteria provided, single submitter. Criteria: ACMG Guidelines, 2015. Collection method: clinical testing. Allele origin: germline.

Eurofins Ntd Llc (ga)
Classification: Uncertain significance. Last evaluated: 2017-09-29. Review status: criteria provided, single submitter. Criteria: EGL Classification Definitions 2015. Collection method: clinical testing. Allele origin: germline. Observed: 4 variant alleles, 4 heterozygotes.

OMIM
Classification: Pathogenic for MYOPATHY DUE TO MYOADENYLATE DEAMINASE DEFICIENCY. Last evaluated: 2000-12-01. Review status: no assertion criteria provided. Collection method: literature only. Allele origin: germline. Not counted in ClinVar's aggregate classification.

Department of Pathology and Laboratory Medicine, Sinai Health System
Classification: Uncertain significance. Review status: no assertion criteria provided. Collection method: clinical testing. Allele origin: unknown. Affected: yes. Study: The Canadian Open Genetics Repository (COGR). Not counted in ClinVar's aggregate classification.
Comment: The AMPD1 p.Arg417Trp variant was identified in dbSNP (ID: rs35859650) and ClinVar (classified as likely pathogenic by GeneDx and as a VUS by EGL Genetic Diagnostics) but was not identified in Cosmic or LOVD 3.0. The variant was identified in control databases in 204 of 282854 chromosomes (2 homozygous) at a frequency of 0.000721 increasing the likelihood this could be a low frequency benign variant (Genome Aggregation Database Feb 27, 2017). The variant was observed in the following populations: African in 178 of 24962 chromosomes (freq: 0.007131), Other in 5 of 7226 chromosomes (freq: 0.000692), Latino in 9 of 35440 chromosomes (freq: 0.000254), East Asian in 5 of 19952 chromosomes (freq: 0.000251), European (Finnish) in 3 of 25096 chromosomes (freq: 0.00012) and European (non-Finnish) in 4 of 129192 chromosomes (freq: 0.000031), while the variant was not observed in the Ashkenazi Jewish or South Asian populations. The p.Arg417 residue is conserved across mammals and other organisms, and computational analyses (PolyPhen-2, SIFT, AlignGVGD, BLOSUM, MutationTaster) suggest that the variant may impact the protein; however, this information is not predictive enough to assume pathogenicity. In summary, based on the above information the clinical significance of this variant cannot be determined with certainty at this time. This variant is classified as a variant of uncertain significance.

Literature cited by the submitters: PubMed 10996775 (cited by Women's Health and Genetics/Laboratory Corporation of America, LabCorp and OMIM); PubMed 11102975 (cited by Women's Health and Genetics/Laboratory Corporation of America, LabCorp and OMIM).

NM_000036.3(AMPD1):c.1162C>T (p.Arg388Trp)

Gene: AMPD1 (adenosine monophosphate deaminase 1; minus strand). Cytogenetic location: 1p13.2.
Variant type: single nucleotide variant.
Coding change: c.1162C>T on transcript NM_000036.3 (MANE Select); coding-DNA position 1162, C replaced by T.
Protein change: p.Arg388Trp; replaces arginine 388 with tryptophan.
Molecular consequence: missense variant.
Genome position (GRCh38, 1-based): chr1:114,677,972, G>A on the plus strand (C>T on the coding strand, the complement: AMPD1 is on the minus strand). VCF-style: chr1-114677972-G-A. GRCh37 (hg19) VCF-style: chr1-115220593-G-A.
Other names: R388W; c.1150C>T, p.Arg384Trp (NM_001172626.2); short protein forms R421W, R384W.
Identifiers: ClinVar variation 18272 (VCV000018272.27), dbSNP rs35859650, ClinGen allele CA128024.
Genomic context (GRCh38, chr1:114,677,972, plus strand): 5'-TGATGATAGTGGCAAAATATTCCCCATTAATGTAATTGTCTGTCTTCAAGTAGAGGTCCC[G>A]TAGCTCACTTGCTCCTACAGGATTATATTTGTCATTGAACTTATCAAAACGCTGGAAGGT-3'
Protein context (NP_000027.3, residues 378-398): KYNPVGASEL[Arg388Trp]DLYLKTDNYI